The following is an entry in ClinVar:

ClinVar aggregate classification (germline): Benign. Review status: criteria provided, multiple submitters, no conflicts (2 of 4 stars). 3 submissions from 3 submitters: Benign (3). Last evaluated 2026-09-01.

Allele frequency attached by ClinVar (database versions not stated): gnomAD exomes 0.00139 and 0.00320; ExAC 0.00404; ESP Exome Variant Server 0.01228; gnomAD 0.01293 and 0.01382; TOPMed 0.01478; 1000 Genomes Project 0.01498; 1000 Genomes Project 30x 0.01671.
gnomAD v4.1: 4,158 of 1,613,884 alleles (0.26%); highest among the groups gnomAD compares: African/African-American, 4.3%; 72 homozygotes.

Submissions (3):

CeGaT Center for Human Genetics Tuebingen
Classification: Benign. Last evaluated: 2026-09-01. Review status: criteria provided, single submitter. Criteria: CeGaT Center For Human Genetics Tuebingen Variant Classification Criteria Version 2. Collection method: clinical testing. Allele origin: germline. Affected: yes. Observed: 1 variant allele.
Comment: DLEC1: BS1, BS2

Labcorp Genetics (formerly Invitae), Labcorp
Classification: Benign. Last evaluated: 2018-04-03. Review status: criteria provided, single submitter. Criteria: Invitae Variant Classification Sherloc (09022015). Collection method: clinical testing. Allele origin: germline.

Breakthrough Genomics
Classification: Benign. Review status: criteria provided, single submitter. Criteria: ACMG Guidelines, 2015. Collection method: not provided. Allele origin: germline. Inheritance: Unknown mechanism. Affected: yes.

NM_007335.4(DLEC1):c.575C>T (p.Ser192Phe)

Gene: DLEC1 (DLEC1 cilia and flagella associated protein; plus strand). Cytogenetic location: 3p22.2.
Variant type: single nucleotide variant.
Coding change: c.575C>T on transcript NM_007335.4 (MANE Select); coding-DNA position 575, C replaced by T.
Protein change: p.Ser192Phe; replaces serine 192 with phenylalanine.
Molecular consequence: missense variant.
Genome position (GRCh38, 1-based): chr3:38,059,754, C>T. VCF-style: chr3-38059754-C-T. GRCh37 (hg19) VCF-style: chr3-38101245-C-T.
Other names: c.575C>T, p.Ser192Phe (NM_001321153.2, NM_007337.4); short protein forms S192F.
Identifiers: ClinVar variation 769271 (VCV000769271.5), dbSNP rs34012183, ClinGen allele CA2313752.